The following is an entry in ClinVar:

ClinVar aggregate classification (germline): Pathogenic (1 of 4 stars; one submission).

Conditions:
Developmental delay, behavioral abnormalities, and neuropsychiatric disorders (DEDBANP). Identifiers: MedGen C5774224, MONDO:0859292, OMIM 620065.

Submission:

Institute of Human Genetics, University of Leipzig Medical Center
Classification: Pathogenic for Developmental delay, behavioral abnormalities, and neuropsychiatric disorders. Last evaluated: 2026-01-16. Review status: criteria provided, single submitter. Criteria: ACMG Guidelines, 2015. Collection method: clinical testing. Allele origin: unknown. Inheritance: Autosomal dominant inheritance. Affected: yes.
Comment: Criteria applied: PVS1,PM2

NM_014921.5(ADGRL1):c.283_284del (p.Arg95fs)

Gene: ADGRL1 (adhesion G protein-coupled receptor L1; minus strand). Cytogenetic location: 19p13.12.
Variant type: Microsatellite.
Coding change: c.283_284del on transcript NM_014921.5 (MANE Select); coding-DNA positions 283 to 284, 2 bases deleted (AG; older notation c.283_284delAG).
Protein change: p.Arg95fs; shifts the reading frame from arginine 95.
Molecular consequence: frameshift variant.
Genome position (GRCh38, 1-based): chr19:14,177,531-14,177,532, CT deleted on the plus strand (AG on the coding strand, the reverse complement: ADGRL1 is on the minus strand); deleting any 2 consecutive bases within chr19:14,177,531-14,177,534 gives the same sequence; the c. name uses the placement nearest the transcript's 3' end. VCF-style (leftmost placement, unchanged base first): chr19-14177530-CCT-C. GRCh37 (hg19) VCF-style: chr19-14288342-CCT-C.
Other names: c.283_284del, p.Arg95fs (NM_001008701.3); short protein forms R95fs.
Identifiers: ClinVar variation 4819168 (VCV004819168.1).